The following is an entry in ClinVar:

ClinVar aggregate classification (germline): Uncertain significance (1 of 4 stars; one submission).

Submission:

Ambry Genetics
Classification: Uncertain significance. Last evaluated: 2026-03-21. Review status: criteria provided, single submitter. Criteria: Ambry Variant Classification Scheme 2023. Collection method: clinical testing. Allele origin: germline.
Comment: The p.S1809P variant (also known as c.5425T>C), located in coding exon 22 of the WNK2 gene, results from a T to C substitution at nucleotide position 5425. The serine at codon 1809 is replaced by proline, an amino acid with similar properties. This amino acid position is conserved. In addition, the in silico prediction for this alteration is inconclusive. Based on the available evidence, the clinical significance of this variant remains unclear.

NM_006648.4(WNK2):c.5425T>C (p.Ser1809Pro)

Gene: WNK2 (WNK lysine deficient protein kinase 2; plus strand). Cytogenetic location: 9q22.31.
Variant type: single nucleotide variant.
Coding change: c.5425T>C on transcript NM_006648.4 (MANE Select); coding-DNA position 5425, T replaced by C.
Protein change: p.Ser1809Pro; replaces serine 1809 with proline.
Molecular consequence: missense variant.
Genome position (GRCh38, 1-based): chr9:93,292,890, T>C. VCF-style: chr9-93292890-T-C. GRCh37 (hg19) VCF-style: chr9-96055172-T-C.
Other names: c.5536T>C, p.Ser1846Pro (NM_001282394.3); short protein forms S1809P, S1846P.
Identifiers: ClinVar variation 4866533 (VCV004866533.1).